The following is an entry in ClinVar:

NM_172240.3(POC1B):c.13A>G (p.Thr5Ala)

Genes: POC1B (POC1 centriolar protein B; minus strand), POC1B-AS1 (POC1B antisense RNA 1; plus strand), POC1B-DUSP6 (POC1B-DUSP6 readthrough; minus strand), POC1B-GALNT4 (POC1B-GALNT4 readthrough; minus strand), LOC130008357 (ATAC-STARR-seq lymphoblastoid silent region 4694; plus strand). Cytogenetic location: 12q21.33.
Variant type: single nucleotide variant.
Coding change: c.13A>G on transcript NM_172240.3 (MANE Select); coding-DNA position 13, A replaced by G.
Protein change: p.Thr5Ala; replaces threonine 5 with alanine.
Molecular consequence: missense variant. On other transcripts: synonymous variant (1), non-coding transcript variant (1).
Genome position (GRCh38, 1-based): chr12:89,525,883, T>C on the plus strand (A>G on the coding strand, the complement: POC1B is on the minus strand). VCF-style: chr12-89525883-T-C. GRCh37 (hg19) VCF-style: chr12-89919660-T-C.
Other names: c.13A>G, p.Thr5Ala (NM_001199781.2); c.273A>G, p.Pro91= (NM_001199782.1); short protein forms T5A.
Identifiers: ClinVar variation 1348955 (VCV001348955.6), dbSNP rs1345282782, ClinGen allele CA386008278.

ClinVar aggregate classification (germline): Uncertain significance (1 of 4 stars; one submission).

Allele frequency attached by ClinVar (database versions not stated): TOPMed below 0.00001; gnomAD 0.00001; gnomAD exomes 0.00001.
gnomAD v4.1: 3 of 1,460,450 alleles (0.00021%); highest among the groups gnomAD compares: Non-Finnish European, 0.00018%; no homozygotes.

Submission:

Labcorp Genetics (formerly Invitae), Labcorp
Classification: Uncertain significance. Last evaluated: 2022-08-16. Review status: criteria provided, single submitter. Criteria: Invitae Variant Classification Sherloc (09022015). Collection method: clinical testing. Allele origin: germline.
Comment: This variant is present in population databases (no rsID available, gnomAD no frequency). This sequence change replaces threonine, which is neutral and polar, with alanine, which is neutral and non-polar, at codon 5 of the POC1B protein (p.Thr5Ala). This variant has not been reported in the literature in individuals affected with POC1B-related conditions. ClinVar contains an entry for this variant (Variation ID: 1348955). Algorithms developed to predict the effect of missense changes on protein structure and function (SIFT, PolyPhen-2, Align-GVGD) all suggest that this variant is likely to be tolerated. In summary, the available evidence is currently insufficient to determine the role of this variant in disease. Therefore, it has been classified as a Variant of Uncertain Significance.